The following is an entry in ClinVar:

ClinVar aggregate classification (germline): Uncertain significance (1 of 4 stars; one submission).

Allele frequency attached by ClinVar (database versions not stated): gnomAD exomes 0.00001 and 0.00003; TOPMed 0.00001.
gnomAD v4.1: 50 of 1,599,016 alleles (0.0031%); highest among the groups gnomAD compares: Non-Finnish European, 0.0042%; no homozygotes.

Submission:

Labcorp Genetics (formerly Invitae), Labcorp
Classification: Uncertain significance. Last evaluated: 2024-10-25. Review status: criteria provided, single submitter. Criteria: Invitae Variant Classification Sherloc (09022015). Collection method: clinical testing. Allele origin: germline.
Comment: This sequence change falls in intron 76 of the LRP2 gene. It does not directly change the encoded amino acid sequence of the LRP2 protein. It affects a nucleotide within the consensus splice site. This variant is present in population databases (no rsID available, gnomAD 0.003%). This variant has not been reported in the literature in individuals affected with LRP2-related conditions. ClinVar contains an entry for this variant (Variation ID: 1360385). Variants that disrupt the consensus splice site are a relatively common cause of aberrant splicing (PMID: 17576681, 9536098). Algorithms developed to predict the effect of sequence changes on RNA splicing suggest that this variant is not likely to affect RNA splicing. In summary, the available evidence is currently insufficient to determine the role of this variant in disease. Therefore, it has been classified as a Variant of Uncertain Significance.

Literature cited by the submitters: PubMed 17576681; PubMed 9536098.

NM_004525.3(LRP2):c.13620+5G>A

Gene: LRP2 (LDL receptor related protein 2; minus strand). Cytogenetic location: 2q31.1.
Variant type: single nucleotide variant.
Coding change: c.13620+5G>A on transcript NM_004525.3 (MANE Select); 5 bases into the intron after coding-DNA position 13620, G replaced by A.
Molecular consequence: intron variant.
Genome position (GRCh38, 1-based): chr2:169,137,387, C>T on the plus strand (G>A on the coding strand, the complement: LRP2 is on the minus strand). VCF-style: chr2-169137387-C-T. GRCh37 (hg19) VCF-style: chr2-169993897-C-T.
Identifiers: ClinVar variation 1360385 (VCV001360385.5), dbSNP rs868328957, ClinGen allele CA59913345.
Genomic context (GRCh38, chr2:169,137,387, plus strand): 5'-ATGACTCAATAGATTAAGATCCAGCGACAGCAGTAACTGAAAGAAAAGACTGTATGGTTT[C>T]TCACCTGGATTGGCTGAACCACTTTGACAGCACTGTCTCTGGCTGAGTACATTGGGTTTT-3'